The following is an entry in ClinVar:

NM_024700.4(SNIP1):c.608A>G (p.Gln203Arg)

Genes: SNIP1 (Smad nuclear interacting protein 1; minus strand), LOC126805704 (BRD4-independent group 4 enhancer GRCh37_chr1:38005292-38006491; plus strand). Cytogenetic location: 1p34.3.
Variant type: single nucleotide variant.
Coding change: c.608A>G on transcript NM_024700.4 (MANE Select); coding-DNA position 608, A replaced by G.
Protein change: p.Gln203Arg; replaces glutamine 203 with arginine.
Molecular consequence: missense variant.
Genome position (GRCh38, 1-based): chr1:37,540,475, T>C on the plus strand (A>G on the coding strand, the complement: SNIP1 is on the minus strand). VCF-style: chr1-37540475-T-C. GRCh37 (hg19) VCF-style: chr1-38006076-T-C.
Other names: short protein forms Q203R.
Identifiers: ClinVar variation 4587383 (VCV004587383.2).

ClinVar aggregate classification (germline): Uncertain significance. Review status: criteria provided, multiple submitters, no conflicts (2 of 4 stars). 2 submissions from 2 submitters: Uncertain significance (2). Last evaluated 2025-10-28.

gnomAD v4.1: 41 of 1,614,036 alleles (0.0025%); highest among the groups gnomAD compares: Non-Finnish European, 0.0032%; no homozygotes.

Submissions (2):

Ambry Genetics
Classification: Uncertain significance. Last evaluated: 2025-10-28. Review status: criteria provided, single submitter. Criteria: Ambry Variant Classification Scheme 2023. Collection method: clinical testing. Allele origin: germline.

Labcorp Genetics (formerly Invitae), Labcorp
Classification: Uncertain significance. Last evaluated: 2025-10-13. Review status: criteria provided, single submitter. Criteria: Invitae Variant Classification Sherloc (09022015). Collection method: clinical testing. Allele origin: germline.
Comment: This sequence change replaces glutamine, which is neutral and polar, with arginine, which is basic and polar, at codon 203 of the SNIP1 protein (p.Gln203Arg). This variant is present in population databases (rs148711417, gnomAD 0.008%). This variant has not been reported in the literature in individuals affected with SNIP1-related conditions. Invitae Evidence Modeling of protein sequence and biophysical properties (such as structural, functional, and spatial information, amino acid conservation, physicochemical variation, residue mobility, and thermodynamic stability) indicates that this missense variant is not expected to disrupt SNIP1 protein function with a negative predictive value of 80%. In summary, the available evidence is currently insufficient to determine the role of this variant in disease. Therefore, it has been classified as a Variant of Uncertain Significance.